The following is an entry in ClinVar:

NM_002906.4(RDX):c.219_220del (p.Asn74fs)

Gene: RDX (radixin; minus strand). Cytogenetic location: 11q22.3.
Variant type: Microsatellite.
Coding change: c.219_220del on transcript NM_002906.4 (MANE Select); coding-DNA positions 219 to 220, 2 bases deleted (GA; older notation c.219_220delGA).
Protein change: p.Asn74fs; shifts the reading frame from asparagine 74.
Molecular consequence: frameshift variant. On other transcripts: intron variant (2).
Genome position (GRCh38, 1-based): chr11:110,264,207-110,264,208, TC deleted on the plus strand (GA on the coding strand, the reverse complement: RDX is on the minus strand); deleting any 2 consecutive bases within chr11:110,264,207-110,264,211 gives the same sequence; the c. name uses the placement nearest the transcript's 3' end. VCF-style (leftmost placement, unchanged base first): chr11-110264206-TTC-T. GRCh37 (hg19) VCF-style: chr11-110134931-TTC-T.
Other names: c.219_220del, p.Asn74fs (NM_001260492.2, NM_001260493.2, NM_001440505.1 and 5 more transcripts); c.123_124del, p.Asn42fs (NM_001260496.2, NM_001440517.1); c.186_187del, p.Asn63fs (NM_001440510.1, NM_001440511.1, NM_001440513.1 and 2 more transcripts); c.135_136del, p.Asn46fs (NM_001440516.1); c.-83+15473_-83+15474del (NM_001260495.2); c.60-6019_60-6018del (NM_001260494.2); short protein forms N42fs, N46fs, N63fs, N74fs.
Identifiers: ClinVar variation 4770767 (VCV004770767.1).
Genomic context (GRCh38, chr11:110,264,206, plus strand): 5'-ATTAATTCCTCAGAAACATCTTCAGGAAAGAATTTAGCTCTAAACTTGAACTGTAAAGGA[TTC>T]TCTTTTTTAACATCCTGCTGTGTTACCTGGAAAAATAATTTCAAGTATAATCAACAAAAA-3'

ClinVar aggregate classification (germline): Pathogenic (1 of 4 stars; one submission).

Submission:

Labcorp Genetics (formerly Invitae), Labcorp
Classification: Pathogenic. Last evaluated: 2025-09-08. Review status: criteria provided, single submitter. Criteria: Invitae Variant Classification Sherloc (09022015). Collection method: clinical testing. Allele origin: germline.
Comment: This sequence change creates a premature translational stop signal (p.Asn74Serfs*7) in the RDX gene. It is expected to result in an absent or disrupted protein product. Loss-of-function variants in RDX are known to be pathogenic (PMID: 12068294, 17226784). This variant is not present in population databases (gnomAD no frequency). This variant has not been reported in the literature in individuals affected with RDX-related conditions. For these reasons, this variant has been classified as Pathogenic.

Literature cited by the submitters: PubMed 12068294; PubMed 17226784.